The following is an entry in ClinVar:

NM_020320.5(RARS2):c.1157G>A (p.Arg386Gln)

Gene: RARS2 (arginyl-tRNA synthetase 2, mitochondrial; minus strand). Cytogenetic location: 6q15.
Variant type: single nucleotide variant.
Coding change: c.1157G>A on transcript NM_020320.5 (MANE Select); coding-DNA position 1157, G replaced by A.
Protein change: p.Arg386Gln; replaces arginine 386 with glutamine.
Molecular consequence: missense variant. On other transcripts: non-coding transcript variant (23).
Genome position (GRCh38, 1-based): chr6:87,519,663, C>T on the plus strand (G>A on the coding strand, the complement: RARS2 is on the minus strand). VCF-style: chr6-87519663-C-T. GRCh37 (hg19) VCF-style: chr6-88229381-C-T.
Other names: c.632G>A, p.Arg211Gln (NM_001318785.2, NM_001350506.2, NM_001350507.2 and 4 more transcripts); c.1157G>A, p.Arg386Gln (NM_001350505.2); short protein forms R211Q, R386Q.
Identifiers: ClinVar variation 3251822 (VCV003251822.1), dbSNP rs1182030100.

ClinVar aggregate classification (germline): Uncertain significance (1 of 4 stars; one submission).

Allele frequency attached by ClinVar (database versions not stated): gnomAD exomes below 0.00001; gnomAD 0.00001; TOPMed 0.00002.
gnomAD v4.1: 8 of 1,613,240 alleles (0.0005%); highest among the groups gnomAD compares: Admixed American, 0.0017%; no homozygotes.

Submission:

Women's Health and Genetics/Laboratory Corporation of America, LabCorp
Classification: Uncertain significance. Last evaluated: 2024-04-22. Review status: criteria provided, single submitter. Criteria: LabCorp Variant Classification Summary - May 2015. Collection method: clinical testing. Allele origin: germline.
Comment: Variant summary: RARS2 c.1157G>A (p.Arg386Gln) results in a conservative amino acid change located in the Arginyl-tRNA synthetase, catalytic core domain of the encoded protein sequence. Four of five in-silico tools predict a damaging effect of the variant on protein function. The variant allele was found at a frequency of 4e-06 in 251258 control chromosomes. The available data on variant occurrences in the general population are insufficient to allow any conclusion about variant significance. To our knowledge, no occurrence of c.1157G>A in individuals affected with Pontocerebellar Hypoplasia, Type 6 and no experimental evidence demonstrating its impact on protein function have been reported. No submitters have cited clinical-significance assessments for this variant to ClinVar. Based on the evidence outlined above, the variant was classified as uncertain significance.